The following is an entry in ClinVar:

ClinVar aggregate classification (germline): Uncertain significance (1 of 4 stars; one submission).

Conditions:
Cardiomyopathy (CMYO). Also called: Cardiomyopathies. Identifiers: Orphanet 167848, MedGen C0878544, MONDO:0004994, HP:0001638. Inheritance: Various modes of inheritance.

Submission:

Color Diagnostics, LLC DBA Color Health
Classification: Uncertain significance for Cardiomyopathy. Last evaluated: 2024-06-24. Review status: criteria provided, single submitter. Criteria: ACMG Guidelines, 2015. Collection method: clinical testing. Allele origin: germline.
Comment: This missense variant replaces glycine with valine at codon 2133 of the DSP protein. Computational prediction suggests that this variant may have deleterious impact on protein structure and function (internally defined REVEL score threshold >= 0.7, PMID: 27666373). To our knowledge, functional studies have not been reported for this variant. This variant has not been reported in individuals affected with DSP-related disorders in the literature. This variant has not been identified in the general population by the Genome Aggregation Database (gnomAD). The available evidence is insufficient to determine the role of this variant in disease conclusively. Therefore, this variant is classified as a Variant of Uncertain Significance.

NM_004415.4(DSP):c.6398G>T (p.Gly2133Val)

Gene: DSP (desmoplakin; plus strand). Cytogenetic location: 6p24.3.
Variant type: single nucleotide variant.
Coding change: c.6398G>T on transcript NM_004415.4 (MANE Select); coding-DNA position 6398, G replaced by T.
Protein change: p.Gly2133Val; replaces glycine 2133 with valine.
Molecular consequence: missense variant.
Genome position (GRCh38, 1-based): chr6:7,583,660, G>T. VCF-style: chr6-7583660-G-T. GRCh37 (hg19) VCF-style: chr6-7583893-G-T.
Other names: c.4601G>T, p.Gly1534Val (NM_001008844.3); c.5069G>T, p.Gly1690Val (NM_001319034.2); short protein forms G1534V, G1690V, G2133V.
Identifiers: ClinVar variation 3893937 (VCV003893937.1).